The following is an entry in ClinVar:

NM_001297.5(CNGB1):c.623A>G (p.Gln208Arg)

Gene: CNGB1 (cyclic nucleotide gated channel subunit beta 1; minus strand). Cytogenetic location: 16q21.
Variant type: single nucleotide variant.
Coding change: c.623A>G on transcript NM_001297.5 (MANE Select); coding-DNA position 623, A replaced by G.
Protein change: p.Gln208Arg; replaces glutamine 208 with arginine.
Molecular consequence: missense variant.
Genome position (GRCh38, 1-based): chr16:57,960,026, T>C on the plus strand (A>G on the coding strand, the complement: CNGB1 is on the minus strand). VCF-style: chr16-57960026-T-C. GRCh37 (hg19) VCF-style: chr16-57993930-T-C.
Other names: c.623A>G, p.Gln208Arg (NM_001135639.2); c.605A>G, p.Gln202Arg (NM_001286130.2); short protein forms Q202R, Q208R.
Identifiers: ClinVar variation 1426387 (VCV001426387.8), dbSNP rs2149386554, ClinGen allele CA396077828.

ClinVar aggregate classification (germline): Uncertain significance (1 of 4 stars; one submission).

gnomAD v4.1: 8 of 1,571,320 alleles (0.00051%); highest among the groups gnomAD compares: Non-Finnish European, 0.00069%; no homozygotes.

Submission:

Labcorp Genetics (formerly Invitae), Labcorp
Classification: Uncertain significance. Last evaluated: 2020-11-27. Review status: criteria provided, single submitter. Criteria: Invitae Variant Classification Sherloc (09022015). Collection method: clinical testing. Allele origin: germline.
Comment: In summary, the available evidence is currently insufficient to determine the role of this variant in disease. Therefore, it has been classified as a Variant of Uncertain Significance. Advanced modeling of protein sequence and biophysical properties (such as structural, functional, and spatial information, amino acid conservation, physicochemical variation, residue mobility, and thermodynamic stability) performed at Invitae indicates that this missense variant is not expected to disrupt CNGB1 protein function. This variant has not been reported in the literature in individuals with CNGB1-related conditions. This variant is not present in population databases (ExAC no frequency). This sequence change replaces glutamine with arginine at codon 208 of the CNGB1 protein (p.Gln208Arg). The glutamine residue is weakly conserved and there is a small physicochemical difference between glutamine and arginine.